The following is an entry in ClinVar:

NM_001916.5(CYC1):c.476A>G (p.Asn159Ser)

Gene: CYC1 (cytochrome c1; plus strand). Cytogenetic location: 8q24.3.
Variant type: single nucleotide variant.
Coding change: c.476A>G on transcript NM_001916.5 (MANE Select); coding-DNA position 476, A replaced by G.
Protein change: p.Asn159Ser; replaces asparagine 159 with serine.
Molecular consequence: missense variant.
Genome position (GRCh38, 1-based): chr8:144,096,359, A>G. VCF-style: chr8-144096359-A-G. GRCh37 (hg19) VCF-style: chr8-145151262-A-G.
Other names: c.476A>G (NM_001916.4); short protein forms N159S.
Identifiers: ClinVar variation 2148294 (VCV002148294.8), dbSNP rs145614459, ClinGen allele CA4933407.
Genomic context (GRCh38, chr8:144,096,359, plus strand): 5'-TTGAGATGGCAGGGTTGTGATGAGGCTCTCGGTGGCAGGTGGAGGTTCAAGACGGCCCCA[A>G]TGAAGATGGGGAGATGTTCATGCGGCCAGGGAAGCTGTTCGACTATTTCCCAAAACCATA-3'
Protein context (NP_001907.3, residues 149-169): AAEVEVQDGP[Asn159Ser]EDGEMFMRPG

ClinVar aggregate classification (germline): Uncertain significance. Review status: criteria provided, multiple submitters, no conflicts (2 of 4 stars). 2 submissions from 2 submitters: Uncertain significance (2). Last evaluated 2026-01-03.

Allele frequency attached by ClinVar (database versions not stated): gnomAD exomes 0.00018; 1000 Genomes Project 0.00020; gnomAD 0.00023; ExAC 0.00025; TOPMed 0.00030; 1000 Genomes Project 30x 0.00031; ESP Exome Variant Server 0.00031.
gnomAD v4.1: 303 of 1,613,998 alleles (0.019%); highest among the groups gnomAD compares: Admixed American, 0.073%; no homozygotes.

Submissions (2):

GeneDx
Classification: Uncertain significance. Last evaluated: 2026-01-03. Review status: criteria provided, single submitter. Criteria: GeneDx Variant Classification Process June 2021. Collection method: clinical testing. Allele origin: germline. Affected: yes.
Comment: In silico analysis supports that this missense variant has a deleterious effect on protein structure/function; Has not been previously published as pathogenic or benign to our knowledge

Labcorp Genetics (formerly Invitae), Labcorp
Classification: Uncertain significance. Last evaluated: 2025-10-27. Review status: criteria provided, single submitter. Criteria: Invitae Variant Classification Sherloc (09022015). Collection method: clinical testing. Allele origin: germline.
Comment: This sequence change replaces asparagine, which is neutral and polar, with serine, which is neutral and polar, at codon 159 of the CYC1 protein (p.Asn159Ser). This variant is present in population databases (rs145614459, gnomAD 0.08%), and has an allele count higher than expected for a pathogenic variant. This variant has not been reported in the literature in individuals affected with CYC1-related conditions. ClinVar contains an entry for this variant (Variation ID: 2148294). Invitae Evidence Modeling of protein sequence and biophysical properties (such as structural, functional, and spatial information, amino acid conservation, physicochemical variation, residue mobility, and thermodynamic stability) indicates that this missense variant is not expected to disrupt CYC1 protein function with a negative predictive value of 80%. In summary, the available evidence is currently insufficient to determine the role of this variant in disease. Therefore, it has been classified as a Variant of Uncertain Significance.